The following is an entry in ClinVar:

ClinVar aggregate classification (germline): Uncertain significance. Review status: criteria provided, multiple submitters, no conflicts (2 of 4 stars). 2 submissions from 2 submitters: Uncertain significance (2). Last evaluated 2025-07-22.

Conditions:
TRPC6-related disorder. Also called: TRPC6-related condition.

Submissions (2):

Labcorp Genetics (formerly Invitae), Labcorp
Classification: Uncertain significance. Last evaluated: 2025-07-22. Review status: criteria provided, single submitter. Criteria: Invitae Variant Classification Sherloc (09022015). Collection method: clinical testing. Allele origin: germline.
Comment: This sequence change replaces asparagine, which is neutral and polar, with serine, which is neutral and polar, at codon 81 of the TRPC6 protein (p.Asn81Ser). This variant is present in population databases (rs200774833, gnomAD 0.004%). This variant has not been reported in the literature in individuals affected with TRPC6-related conditions. Invitae Evidence Modeling of protein sequence and biophysical properties (such as structural, functional, and spatial information, amino acid conservation, physicochemical variation, residue mobility, and thermodynamic stability) indicates that this missense variant is not expected to disrupt TRPC6 protein function with a negative predictive value of 95%. In summary, the available evidence is currently insufficient to determine the role of this variant in disease. Therefore, it has been classified as a Variant of Uncertain Significance.

PreventionGenetics, part of Exact Sciences
Classification: Uncertain significance for TRPC6-related condition. Last evaluated: 2024-10-30. Review status: criteria provided, single submitter. Criteria: ACMG Guidelines, 2015. Collection method: clinical testing. Allele origin: germline.
Comment: The TRPC6 c.242A>G variant is predicted to result in the amino acid substitution p.Asn81Ser. This variant was reported as maternally inherited in a study of high-risk fetal congenital anomalies of the kidney and urinary tract (CAKUT), but the clinical significance was unknown (Liu et al. 2022. PubMed ID: 35711925). This variant is reported in 0.0037% of alleles in individuals of South Asian descent in gnomAD. At this time, the clinical significance of this variant is uncertain due to the absence of conclusive functional and genetic evidence.

NM_004621.6(TRPC6):c.242A>G (p.Asn81Ser)

Gene: TRPC6 (transient receptor potential cation channel subfamily C member 6; minus strand). Cytogenetic location: 11q22.1.
Variant type: single nucleotide variant.
Coding change: c.242A>G on transcript NM_004621.6 (MANE Select); coding-DNA position 242, A replaced by G.
Protein change: p.Asn81Ser; replaces asparagine 81 with serine.
Molecular consequence: missense variant.
Genome position (GRCh38, 1-based): chr11:101,504,727, T>C on the plus strand (A>G on the coding strand, the complement: TRPC6 is on the minus strand). VCF-style: chr11-101504727-T-C. GRCh37 (hg19) VCF-style: chr11-101375458-T-C.
Other names: c.242A>G, p.Asn81Ser (NM_001439335.1); c.242A>G (NM_004621.5); short protein forms N81S.
Identifiers: ClinVar variation 4691922 (VCV004691922.2).